The following is an entry in ClinVar:

NM_020822.3(KCNT1):c.1770-34G>T

Gene: KCNT1 (potassium sodium-activated channel subfamily T member 1; plus strand). Cytogenetic location: 9q34.3.
Variant type: single nucleotide variant.
Coding change: c.1770-34G>T on transcript NM_020822.3 (MANE Select); 34 bases into the intron before coding-DNA position 1770, G replaced by T.
Molecular consequence: intron variant.
Genome position (GRCh38, 1-based): chr9:135,770,823, G>T. VCF-style: chr9-135770823-G-T. GRCh37 (hg19) VCF-style: chr9-138662669-G-T.
Other names: c.1635-34G>T (NM_001272003.2).
Identifiers: ClinVar variation 677576 (VCV000677576.1), dbSNP rs148022360, ClinGen allele CA5327065.

ClinVar aggregate classification (germline): Likely benign (1 of 4 stars; one submission).

Allele frequency attached by ClinVar (database versions not stated): 1000 Genomes Project 0.00260; 1000 Genomes Project 30x 0.00281; TOPMed 0.00932; gnomAD 0.00954; ESP Exome Variant Server 0.01102.
gnomAD v4.1: 20,446 of 1,525,386 alleles (1.3%); highest among the groups gnomAD compares: Non-Finnish European, 1.7%; 194 homozygotes.

Submission:

GeneDx
Classification: Likely benign. Last evaluated: 2018-06-14. Review status: criteria provided, single submitter. Criteria: GeneDx Variant Classification (06012015). Collection method: clinical testing. Allele origin: germline. Affected: yes.
Comment: This variant is considered likely benign or benign based on one or more of the following criteria: it is a conservative change, it occurs at a poorly conserved position in the protein, it is predicted to be benign by multiple in silico algorithms, and/or has population frequency not consistent with disease.